The following is an entry in ClinVar:

NM_005045.4(RELN):c.572A>T (p.His191Leu)

Gene: RELN (reelin; minus strand). Cytogenetic location: 7q22.1.
Variant type: single nucleotide variant.
Coding change: c.572A>T on transcript NM_005045.4 (MANE Select); coding-DNA position 572, A replaced by T.
Protein change: p.His191Leu; replaces histidine 191 with leucine.
Molecular consequence: missense variant.
Genome position (GRCh38, 1-based): chr7:103,753,187, T>A on the plus strand (A>T on the coding strand, the complement: RELN is on the minus strand). VCF-style: chr7-103753187-T-A. GRCh37 (hg19) VCF-style: chr7-103393634-T-A.
Other names: c.572A>T, p.His191Leu (NM_173054.3); short protein forms H191L.
Identifiers: ClinVar variation 1044510 (VCV001044510.8), dbSNP rs918350971, ClinGen allele CA368930399.

ClinVar aggregate classification (germline): Uncertain significance (1 of 4 stars; one submission).

Conditions:
Norman-Roberts syndrome (LIS2). Also called: Lissencephaly 2 (Norman-Roberts type). Identifiers: Orphanet 89844, MedGen C0796089, MONDO:0009760, OMIM 257320.
Familial temporal lobe epilepsy 7. Identifiers: Orphanet 101046, MedGen C4225327, MONDO:0014639, OMIM 616436.

gnomAD v4.1: 1 of 1,613,946 alleles (0.000062%); highest among the groups gnomAD compares: Non-Finnish European, 0.000085%; no homozygotes.

Submission:

Labcorp Genetics (formerly Invitae), Labcorp
Classification: Uncertain significance for Familial temporal lobe epilepsy 7; Norman-Roberts syndrome. Last evaluated: 2020-09-25. Review status: criteria provided, single submitter. Criteria: Invitae Variant Classification Sherloc (09022015). Collection method: clinical testing. Allele origin: germline.
Comment: In summary, the available evidence is currently insufficient to determine the role of this variant in disease. Therefore, it has been classified as a Variant of Uncertain Significance. Algorithms developed to predict the effect of missense changes on protein structure and function are either unavailable or do not agree on the potential impact of this missense change (SIFT: "Deleterious"; PolyPhen-2: "Benign"; Align-GVGD: "Class C0"). This variant has not been reported in the literature in individuals with RELN-related conditions. This variant is not present in population databases (ExAC no frequency). This sequence change replaces histidine with leucine at codon 191 of the RELN protein (p.His191Leu). The histidine residue is moderately conserved and there is a moderate physicochemical difference between histidine and leucine.